The following is an entry in ClinVar:

ClinVar aggregate classification (germline): Conflicting classifications of pathogenicity. Review status: criteria provided, conflicting classifications (1 of 4 stars). 4 submissions from 4 submitters: Uncertain significance (3); Benign (1). Last evaluated 2025-03-31.

Conditions:
CACNA1H-related disorder.
Idiopathic generalized epilepsy. Also called: EIG; Generalised epilepsy. Identifiers: MedGen C0270850, MONDO:0005579, OMIM 600669.
Hyperaldosteronism, familial, type IV (HALD4). Also called: FH IV; ALDOSTERONISM, PRIMARY, AND HYPERTENSION. Identifiers: Orphanet 642671, MedGen C4310756, MONDO:0014875, OMIM 617027.
Epilepsy, childhood absence, susceptibility to, 6. Identifiers: Orphanet 64280, MedGen C2749872, MONDO:0012763, OMIM 611942.

Allele frequency attached by ClinVar (database versions not stated): TOPMed 0.00001.
gnomAD v4.1: 14 of 1,601,406 alleles (0.00087%); highest among the groups gnomAD compares: African/African-American, 0.008%; no homozygotes.

Submissions (4):

PreventionGenetics, part of Exact Sciences
Classification: Uncertain significance for CACNA1H-related condition. Last evaluated: 2025-03-31. Review status: criteria provided, single submitter. Criteria: ACMG Guidelines, 2015. Collection method: clinical testing. Allele origin: germline.
Comment: The CACNA1H c.3218C>T variant is predicted to result in the amino acid substitution p.Ser1073Phe. To our knowledge, this variant has not been reported in the literature. This variant is reported in 0.0036% of alleles in individuals of South Asian descent in gnomAD. At this time, the clinical significance of this variant is uncertain due to the absence of conclusive functional and genetic evidence.

Fulgent Genetics
Classification: Uncertain significance for Epilepsy, childhood absence, susceptibility to, 6; Hyperaldosteronism, familial, type IV. Last evaluated: 2024-02-04. Review status: criteria provided, single submitter. Criteria: ACMG Guidelines, 2015. Collection method: clinical testing. Allele origin: germline.

Labcorp Genetics (formerly Invitae), Labcorp
Classification: Benign for Idiopathic generalized epilepsy; Hyperaldosteronism, familial, type IV. Last evaluated: 2023-06-18. Review status: criteria provided, single submitter. Criteria: Invitae Variant Classification Sherloc (09022015). Collection method: clinical testing. Allele origin: germline.

New York Genome Center
Classification: Uncertain significance for Epilepsy, childhood absence, susceptibility to, 6. Last evaluated: 2020-07-14. Review status: criteria provided, single submitter. Criteria: NYGC Assertion Criteria 2020. Collection method: clinical testing. Allele origin: inherited. Observed: 1 heterozygote. Study: CSER-NYCKidSeq.

NM_021098.3(CACNA1H):c.3218C>T (p.Ser1073Phe)

Gene: CACNA1H (calcium voltage-gated channel subunit alpha1 H; plus strand). Cytogenetic location: 16p13.3.
Variant type: single nucleotide variant.
Coding change: c.3218C>T on transcript NM_021098.3 (MANE Select); coding-DNA position 3218, C replaced by T.
Protein change: p.Ser1073Phe; replaces serine 1073 with phenylalanine.
Molecular consequence: missense variant.
Genome position (GRCh38, 1-based): chr16:1,208,076, C>T. VCF-style: chr16-1208076-C-T. GRCh37 (hg19) VCF-style: chr16-1258076-C-T.
Other names: c.3218C>T, p.Ser1073Phe (NM_001005407.2); short protein forms S1073F.
Identifiers: ClinVar variation 656914 (VCV000656914.13), dbSNP rs369474500, ClinGen allele CA7800688.